The following is an entry in ClinVar:

ClinVar aggregate classification (germline): Uncertain significance (1 of 4 stars; one submission).

Conditions:
Leber congenital amaurosis 6 (LCA6). Identifiers: Orphanet 65, MedGen C1854260, MONDO:0013446, OMIM 613826.
Cone-rod dystrophy 13 (CORD13). Identifiers: Orphanet 1872, MedGen C2750720, MONDO:0011987, OMIM 608194.

Allele frequency attached by ClinVar (database versions not stated): gnomAD 0.00001.
gnomAD v4.1: 1 of 1,577,672 alleles (0.000063%); highest among the groups gnomAD compares: Admixed American, 0.0019%; no homozygotes.

Submission:

Labcorp Genetics (formerly Invitae), Labcorp
Classification: Uncertain significance for Leber congenital amaurosis 6; Cone-rod dystrophy 13. Last evaluated: 2022-10-24. Review status: criteria provided, single submitter. Criteria: Invitae Variant Classification Sherloc (09022015). Collection method: clinical testing. Allele origin: germline.
Comment: This sequence change replaces asparagine, which is neutral and polar, with isoleucine, which is neutral and non-polar, at codon 1046 of the RPGRIP1 protein (p.Asn1046Ile). This variant is not present in population databases (gnomAD no frequency). This variant has not been reported in the literature in individuals affected with RPGRIP1-related conditions. ClinVar contains an entry for this variant (Variation ID: 1034656). Advanced modeling of protein sequence and biophysical properties (such as structural, functional, and spatial information, amino acid conservation, physicochemical variation, residue mobility, and thermodynamic stability) performed at Invitae indicates that this missense variant is not expected to disrupt RPGRIP1 protein function. In summary, the available evidence is currently insufficient to determine the role of this variant in disease. Therefore, it has been classified as a Variant of Uncertain Significance.

NM_020366.4(RPGRIP1):c.3137A>T (p.Asn1046Ile)

Gene: RPGRIP1 (RPGR interacting protein 1; plus strand). Cytogenetic location: 14q11.2.
Variant type: single nucleotide variant.
Coding change: c.3137A>T on transcript NM_020366.4 (MANE Select); coding-DNA position 3137, A replaced by T.
Protein change: p.Asn1046Ile; replaces asparagine 1046 with isoleucine.
Molecular consequence: missense variant.
Genome position (GRCh38, 1-based): chr14:21,330,286, A>T. VCF-style: chr14-21330286-A-T. GRCh37 (hg19) VCF-style: chr14-21798445-A-T.
Other names: c.1115A>T, p.Asn372Ile (NM_001377523.1); c.2063A>T, p.Asn688Ile (NM_001377948.1); c.1223A>T, p.Asn408Ile (NM_001377949.1); c.1112A>T, p.Asn371Ile (NM_001377950.1); c.617A>T, p.Asn206Ile (NM_001377951.1); short protein forms N1046I, N206I, N408I, N371I, N372I, N688I.
Identifiers: ClinVar variation 1034656 (VCV001034656.10), dbSNP rs1883600054, ClinGen allele CA388872155.